The following is an entry in ClinVar:

ClinVar aggregate classification (germline): Uncertain significance. Review status: criteria provided, multiple submitters, no conflicts (2 of 4 stars). 2 submissions from 2 submitters: Uncertain significance (2). Last evaluated 2024-04-29.

Conditions:
Inborn genetic diseases. Identifiers: MedGen C0950123, MeSH D030342.

Allele frequency attached by ClinVar (database versions not stated): gnomAD exomes below 0.00001; gnomAD 0.00001; TOPMed 0.00001.
gnomAD v4.1: 3 of 1,612,228 alleles (0.00019%); highest among the groups gnomAD compares: Non-Finnish European, 0.00025%; no homozygotes.

Submissions (2):

Ambry Genetics
Classification: Uncertain significance for Inborn genetic diseases. Last evaluated: 2024-04-29. Review status: criteria provided, single submitter. Criteria: Ambry Variant Classification Scheme 2023. Collection method: clinical testing. Allele origin: germline.

GeneDx
Classification: Uncertain significance. Last evaluated: 2022-12-19. Review status: criteria provided, single submitter. Criteria: GeneDx Variant Classification Process June 2021. Collection method: clinical testing. Allele origin: germline. Affected: yes.
Comment: Not observed at significant frequency in large population cohorts (gnomAD); In silico analysis supports that this missense variant has a deleterious effect on protein structure/function; Has not been previously published as pathogenic or benign to our knowledge

NM_182977.3(NNT):c.2744A>G (p.Asp915Gly)

Gene: NNT (nicotinamide nucleotide transhydrogenase; plus strand). Cytogenetic location: 5p12.
Variant type: single nucleotide variant.
Coding change: c.2744A>G on transcript NM_182977.3 (MANE Select); coding-DNA position 2744, A replaced by G.
Protein change: p.Asp915Gly; replaces aspartic acid 915 with glycine.
Molecular consequence: missense variant.
Genome position (GRCh38, 1-based): chr5:43,675,620, A>G. VCF-style: chr5-43675620-A-G. GRCh37 (hg19) VCF-style: chr5-43675722-A-G.
Other names: c.2351A>G, p.Asp784Gly (NM_001331026.2); c.2744A>G, p.Asp915Gly (NM_012343.4); short protein forms D784G, D915G.
Identifiers: ClinVar variation 2506750 (VCV002506750.2), dbSNP rs1283904112, ClinGen allele CA359670555.